The following is an entry in ClinVar:

ClinVar aggregate classification (germline): Likely pathogenic (1 of 4 stars; one submission).

Conditions:
Glycine encephalopathy. Also called: Nonketotic hyperglycinemia; Non-ketotic hyperglycinemia. Identifiers: Orphanet 407, MedGen C0751748, MONDO:0011612, HP:0008288.

Submission:

Labcorp Genetics (formerly Invitae), Labcorp
Classification: Likely pathogenic for Glycine encephalopathy. Last evaluated: 2019-07-05. Review status: criteria provided, single submitter. Criteria: Invitae Variant Classification Sherloc (09022015). Collection method: clinical testing. Allele origin: germline.
Comment: In summary, the currently available evidence indicates that the variant is pathogenic, but additional data are needed to prove that conclusively. Therefore, this variant has been classified as Likely Pathogenic. This variant disrupts the p.Thr830 and p.Val905 amino acid residues in GLDC. Other variant(s) that disrupt this residue have been determined to be pathogenic (PMID: 27362913, 16450403, 26179960, 28244183). This suggests that this residue is clinically significant, and that variants that disrupt this residue are likely to be disease-causing. This variant has not been reported in the literature in individuals with GLDC-related conditions. This variant is a gross deletion of the genomic region encompassing exons 21-25 of the GLDC gene. The 5' boundary is likely confined to intron 21. The 3' end of this event is unknown as it extends through the termination codon beyond the assayed region for this gene and may encompass additional genes. While this deletion is not anticipated to result in nonsense mediated decay, it is expected to create a truncated protein product or disrupt mRNA translation.

Literature cited by the submitters: PubMed 27362913; PubMed 16450403; PubMed 26179960; PubMed 28244183.

NC_000009.12:g.(?_6533007)_(6550924_?)del

Gene: GLDC (glycine decarboxylase; minus strand). Cytogenetic location: 9p24.1.
Variant type: Deletion.
Identifiers: ClinVar variation 830426 (VCV000830426.10).